The following is an entry in ClinVar:

ClinVar aggregate classification (germline): Pathogenic. Review status: criteria provided, multiple submitters, no conflicts (2 of 4 stars). 2 submissions from 2 submitters: Pathogenic (2). Last evaluated 2026-08-17.

Conditions:
Familial adenomatous polyposis 1 (FAP1). Also called: POLYPOSIS, ADENOMATOUS INTESTINAL; FAMILIAL ADENOMATOUS POLYPOSIS 1, ATTENUATED. Identifiers: MedGen C2713442, MONDO:0021056, OMIM 175100. Disease mechanism: loss of function.
Hereditary cancer-predisposing syndrome. Also called: Tumor predisposition; Hereditary neoplastic syndrome; Hereditary Cancer Syndrome; Neoplastic Syndromes, Hereditary. Identifiers: Orphanet 140162, MedGen C0027672, MeSH D009386, MONDO:0015356.

Submissions (2):

Ambry Genetics
Classification: Pathogenic for Hereditary cancer-predisposing syndrome. Last evaluated: 2026-08-17. Review status: criteria provided, single submitter. Criteria: Ambry Variant Classification Scheme 2023. Collection method: clinical testing. Allele origin: germline.
Comment: The c.788dupG pathogenic mutation, located in coding exon 7 of the APC gene, results from a duplication of G at nucleotide position 788, causing a translational frameshift with a predicted alternate stop codon (p.Q264Sfs*13). This variant is considered to be rare based on population cohorts in the Genome Aggregation Database (gnomAD). This alteration is expected to result in loss of function by premature protein truncation or nonsense-mediated mRNA decay. As such, this alteration is interpreted as a disease-causing mutation.

Labcorp Genetics (formerly Invitae), Labcorp
Classification: Pathogenic for Familial adenomatous polyposis 1. Last evaluated: 2024-07-11. Review status: criteria provided, single submitter. Criteria: Invitae Variant Classification Sherloc (09022015). Collection method: clinical testing. Allele origin: germline.
Comment: This sequence change creates a premature translational stop signal (p.Gln264Serfs*13) in the APC gene. It is expected to result in an absent or disrupted protein product. Loss-of-function variants in APC are known to be pathogenic (PMID: 17963004, 20685668). This variant is not present in population databases (gnomAD no frequency). This variant has not been reported in the literature in individuals affected with APC-related conditions. For these reasons, this variant has been classified as Pathogenic.

Literature cited by the submitters: PubMed 17963004 (cited by Labcorp Genetics (formerly Invitae), Labcorp); PubMed 20685668 (cited by Labcorp Genetics (formerly Invitae), Labcorp).

NM_000038.6(APC):c.788dup (p.Gln264fs)

Gene: APC (APC regulator of Wnt signaling pathway; plus strand). Cytogenetic location: 5q22.2.
Variant type: Duplication.
Coding change: c.788dup on transcript NM_000038.6 (MANE Select); coding-DNA position 788, one base duplicated (G; older notation c.788dupG).
Protein change: p.Gln264fs; shifts the reading frame from glutamine 264.
Molecular consequence: frameshift variant. On other transcripts: 5 prime UTR variant (4), non-coding transcript variant (2).
Genome position (GRCh38, 1-based): chr5:112,801,337, G duplicated; the last of 2 consecutive G bases (chr5:112,801,336-112,801,337); duplicating either gives the same sequence. VCF-style (leftmost placement, unchanged base first): chr5-112801335-A-AG. GRCh37 (hg19) VCF-style: chr5-112137032-A-AG.
Other names: c.788dup, p.Gln264fs (NM_001127510.3, NM_001354895.2, NM_001354896.2 and 12 more transcripts); c.-248dup (NM_001407472.1, NM_001354906.2, NM_001407470.1 and 1 more transcripts); c.734dup, p.Gln246fs (NM_001127511.3); c.818dup, p.Gln274fs (NM_001354897.2, NM_001354902.2, NM_001407446.1); c.713dup, p.Gln239fs (NM_001354898.2, NM_001354904.2, NM_001407451.1); c.704dup, p.Gln236fs (NM_001354899.2, NM_001407452.1, NM_001407467.1 and 1 more transcripts); c.611dup, p.Gln205fs (NM_001354900.2, NM_001354901.2, NM_001354905.2 and 1 more transcripts); c.788dupG (NM_000038.5); short protein forms Q205fs, Q236fs, Q239fs, Q246fs, Q264fs, Q274fs.
Identifiers: ClinVar variation 3659220 (VCV003659220.3).